The following is an entry in ClinVar:

ClinVar aggregate classification (germline): Uncertain significance. Review status: criteria provided, multiple submitters, no conflicts (2 of 4 stars). 3 submissions from 3 submitters: Uncertain significance (3). Last evaluated 2024-07-22.

Conditions:
Cardiovascular phenotype. Identifiers: MedGen CN230736.
Primary familial hypertrophic cardiomyopathy (HCM). Identifiers: Orphanet 99739, MedGen C0949658, MeSH D024741, MONDO:0024573. Inheritance: Various modes of inheritance.
Dilated cardiomyopathy 1AA (CMD1AA). Also called: Cardiomyopathy, dilated, 1AA, with or without LVNC; CARDIOMYOPATHY, FAMILIAL HYPERTROPHIC, 23, WITH OR WITHOUT LEFT VENTRICULAR NONCOMPACTION; CARDIOMYOPATHY, DILATED, 1AA, WITH OR WITHOUT LEFT VENTRICULAR NONCOMPACTION. Identifiers: Orphanet 154, MedGen C2677338, MONDO:0012808, OMIM 612158.

Allele frequency attached by ClinVar (database versions not stated): gnomAD 0.00002 and 0.00001; gnomAD exomes 0.00003 and 0.00004; ESP Exome Variant Server 0.00015; ExAC 0.00007; TOPMed 0.00002.
gnomAD v4.1: 46 of 1,613,998 alleles (0.0029%); highest among the groups gnomAD compares: Middle Eastern, 0.016%; no homozygotes.

Submissions (4):

Labcorp Genetics (formerly Invitae), Labcorp
Classification: Uncertain significance for Primary familial hypertrophic cardiomyopathy; Dilated cardiomyopathy 1AA. Last evaluated: 2024-07-22. Review status: criteria provided, single submitter. Criteria: Invitae Variant Classification Sherloc (09022015). Collection method: clinical testing. Allele origin: germline.
Comment: This sequence change replaces arginine, which is basic and polar, with tryptophan, which is neutral and slightly polar, at codon 89 of the ACTN2 protein (p.Arg89Trp). This variant is present in population databases (rs369629689, gnomAD 0.006%). This variant has not been reported in the literature in individuals affected with ACTN2-related conditions. ClinVar contains an entry for this variant (Variation ID: 964559). Advanced modeling of protein sequence and biophysical properties (such as structural, functional, and spatial information, amino acid conservation, physicochemical variation, residue mobility, and thermodynamic stability) performed at Invitae indicates that this missense variant is expected to disrupt ACTN2 protein function with a positive predictive value of 80%. In summary, the available evidence is currently insufficient to determine the role of this variant in disease. Therefore, it has been classified as a Variant of Uncertain Significance.

Mayo Clinic Laboratories, Mayo Clinic
Classification: Uncertain significance. Last evaluated: 2023-01-25. Review status: criteria provided, single submitter. Criteria: ACMG Guidelines, 2015. Collection method: clinical testing. Allele origin: germline. Observed: 1 variant allele.
Comment: PP3

Ambry Genetics
Classification: Uncertain significance for Cardiovascular phenotype. Last evaluated: 2022-11-15. Review status: criteria provided, single submitter. Criteria: Ambry Variant Classification Scheme 2023. Collection method: clinical testing. Allele origin: germline.
Comment: The p.R89W variant (also known as c.265C>T), located in coding exon 3 of the ACTN2 gene, results from a C to T substitution at nucleotide position 265. The arginine at codon 89 is replaced by tryptophan, an amino acid with dissimilar properties. This amino acid position is conserved. In addition, this alteration is predicted to be deleterious by in silico analysis. Since supporting evidence is limited at this time, the clinical significance of this alteration remains unclear.

Avery Lab, Oakland University
No classification provided (evidence only). Condition: Dilated cardiomyopathy 1AA; Hypertrophic cardiomyopathy 1. Review status: no classification provided. Collection method: in vitro. Allele origin: not applicable. Functional consequence: loss of function. Not counted in ClinVar's aggregate classification.

NM_001103.4(ACTN2):c.265C>T (p.Arg89Trp)

Gene: ACTN2 (actinin alpha 2; plus strand). Cytogenetic location: 1q43.
Variant type: single nucleotide variant.
Coding change: c.265C>T on transcript NM_001103.4 (MANE Select); coding-DNA position 265, C replaced by T.
Protein change: p.Arg89Trp; replaces arginine 89 with tryptophan.
Molecular consequence: missense variant. On other transcripts: 5 prime UTR variant (1).
Genome position (GRCh38, 1-based): chr1:236,718,917, C>T. VCF-style: chr1-236718917-C-T. GRCh37 (hg19) VCF-style: chr1-236882217-C-T.
Other names: p.Arg89Trp; c.265C>T, p.Arg89Trp (NM_001278343.2); c.-557C>T (NM_001278344.2); c.265C>T (NM_001103.2); short protein forms R89W.
Identifiers: ClinVar variation 964559 (VCV000964559.9), dbSNP rs369629689, ClinGen allele CA1472754.
Genomic context (GRCh38, chr1:236,718,917, plus strand): 5'-GTCTCTATGTCTGCATGATTCTCTTTTCATCCAACAGGGGAAAGGCTGCCCAAACCTGAC[C>T]GGGGAAAAATGCGGTTCCACAAAATTGCTAATGTCAACAAAGCTTTGGATTACATAGCCA-3'
Protein context (NP_001094.1, residues 79-99): ISGERLPKPD[Arg89Trp]GKMRFHKIAN